The following is an entry in ClinVar:

NM_000548.5(TSC2):c.3653del (p.Pro1218fs)

Gene: TSC2 (TSC complex subunit 2; plus strand). Cytogenetic location: 16p13.3.
Variant type: Deletion.
Coding change: c.3653del on transcript NM_000548.5 (MANE Select); coding-DNA position 3653, one base deleted (C; older notation c.3653delC).
Protein change: p.Pro1218fs; shifts the reading frame from proline 1218.
Molecular consequence: frameshift variant.
Genome position (GRCh38, 1-based): chr16:2,081,637, C deleted; the last of 3 consecutive C bases (chr16:2,081,635-2,081,637); deleting any one gives the same sequence. VCF-style (leftmost placement, unchanged base first): chr16-2081634-GC-G. GRCh37 (hg19) VCF-style: chr16-2131635-GC-G.
Other names: c.3521del, p.Pro1174fs (NM_001077183.3, NM_001370404.1); c.3653del, p.Pro1218fs (NM_001114382.3); c.3413del, p.Pro1138fs (NM_001318827.2); c.3377del, p.Pro1126fs (NM_001318829.2); c.2921del, p.Pro974fs (NM_001318831.2); c.3554del, p.Pro1185fs (NM_001318832.2); c.3524del, p.Pro1175fs (NM_001363528.2, NM_001370405.1, NM_021055.3); short protein forms P1174fs, P1126fs, P974fs, P1138fs, P1175fs, P1185fs, P1218fs.
Identifiers: ClinVar variation 373082 (VCV000373082.2), dbSNP rs1057518201, ClinGen allele CA16042980.

ClinVar aggregate classification (germline): Pathogenic (1 of 4 stars; one submission).

Submission:

GeneDx
Classification: Pathogenic. Last evaluated: 2016-10-31. Review status: criteria provided, single submitter. Criteria: GeneDx Variant Classification (06012015). Collection method: clinical testing. Allele origin: germline. Affected: yes.
Comment: The c.3653delC pathogenic variant in the TSC2 gene causes a frameshift starting with codon Proline 1218, changes this amino acid to a Leucine residue and creates a premature Stop codon at position 107 of the new reading frame, denoted p.Pro1218LeufsX107. This pathogenic variant is predicted to cause loss of normal protein function either through protein truncation or nonsense-mediated mRNA decay. Additionally, it was not observed in approximately 6,500 individuals of European and African American ancestry in the NHLBI Exome Sequencing Project, indicating it is not a common benign variant in these populations.